The following is an entry in ClinVar:

NM_153460.4(IL17RC):c.403G>T (p.Ala135Ser)

Gene: IL17RC (interleukin 17 receptor C; plus strand). Cytogenetic location: 3p25.3.
Variant type: single nucleotide variant.
Coding change: c.403G>T on transcript NM_153460.4 (MANE Select); coding-DNA position 403, G replaced by T.
Protein change: p.Ala135Ser; replaces alanine 135 with serine.
Molecular consequence: missense variant. On other transcripts: non-coding transcript variant (1).
Genome position (GRCh38, 1-based): chr3:9,918,547, G>T. VCF-style: chr3-9918547-G-T. GRCh37 (hg19) VCF-style: chr3-9960231-G-T.
Other names: c.403G>T, p.Ala135Ser (NM_001203263.2, NM_001203264.2, NM_001203265.2 and 4 more transcripts); c.328G>T, p.Ala110Ser (NM_001367279.1); c.616G>T, p.Ala206Ser (NM_153461.4); short protein forms A135S, A110S, A206S.
Identifiers: ClinVar variation 2717870 (VCV002717870.3), dbSNP rs2470104300, ClinGen allele CA351755988.

ClinVar aggregate classification (germline): Uncertain significance (1 of 4 stars; one submission).

Conditions:
Candidiasis, familial, 9 (CANDF9). Identifiers: Orphanet 1334, MedGen C4225324, MONDO:0014642, OMIM 616445.

Submission:

Labcorp Genetics (formerly Invitae), Labcorp
Classification: Uncertain significance for Candidiasis, familial, 9. Last evaluated: 2024-01-02. Review status: criteria provided, single submitter. Criteria: Invitae Variant Classification Sherloc (09022015). Collection method: clinical testing. Allele origin: germline.
Comment: This sequence change replaces alanine, which is neutral and non-polar, with serine, which is neutral and polar, at codon 206 of the IL17RC protein (p.Ala206Ser). This variant is not present in population databases (gnomAD no frequency). This variant has not been reported in the literature in individuals affected with IL17RC-related conditions. Algorithms developed to predict the effect of missense changes on protein structure and function output the following: SIFT: "Not Available"; PolyPhen-2: "Benign"; Align-GVGD: "Not Available". The serine amino acid residue is found in multiple mammalian species, which suggests that this missense change does not adversely affect protein function. In summary, the available evidence is currently insufficient to determine the role of this variant in disease. Therefore, it has been classified as a Variant of Uncertain Significance.